The following is an entry in ClinVar:

NM_004336.5(BUB1):c.684A>C (p.Lys228Asn)

Gene: BUB1 (BUB1 mitotic checkpoint serine/threonine kinase; minus strand). Cytogenetic location: 2q13.
Variant type: single nucleotide variant.
Coding change: c.684A>C on transcript NM_004336.5 (MANE Select); coding-DNA position 684, A replaced by C.
Protein change: p.Lys228Asn; replaces lysine 228 with asparagine.
Molecular consequence: missense variant.
Genome position (GRCh38, 1-based): chr2:110,667,642, T>G on the plus strand (A>C on the coding strand, the complement: BUB1 is on the minus strand). VCF-style: chr2-110667642-T-G. GRCh37 (hg19) VCF-style: chr2-111425219-T-G.
Other names: c.624A>C, p.Lys208Asn (NM_001278616.2); c.684A>C, p.Lys228Asn (NM_001278617.2); short protein forms K208N, K228N.
Identifiers: ClinVar variation 1755763 (VCV001755763.5), dbSNP rs1218238754, ClinGen allele CA348217876.

ClinVar aggregate classification (germline): Uncertain significance. Review status: criteria provided, multiple submitters, no conflicts (2 of 4 stars). 2 submissions from 2 submitters: Uncertain significance (2). Last evaluated 2024-02-19.

Allele frequency attached by ClinVar (database versions not stated): gnomAD 0.00001; gnomAD exomes 0.00001; TOPMed 0.00001.
gnomAD v4.1: 9 of 1,613,886 alleles (0.00056%); highest among the groups gnomAD compares: Non-Finnish European, 0.00076%; no homozygotes.

Submissions (2):

Labcorp Genetics (formerly Invitae), Labcorp
Classification: Uncertain significance. Last evaluated: 2024-02-19. Review status: criteria provided, single submitter. Criteria: Invitae Variant Classification Sherloc (09022015). Collection method: clinical testing. Allele origin: germline.
Comment: This sequence change replaces lysine, which is basic and polar, with asparagine, which is neutral and polar, at codon 228 of the BUB1 protein (p.Lys228Asn). This variant is present in population databases (no rsID available, gnomAD 0.007%). This variant has not been reported in the literature in individuals affected with BUB1-related conditions. ClinVar contains an entry for this variant (Variation ID: 1755763). In summary, the available evidence is currently insufficient to determine the role of this variant in disease. Therefore, it has been classified as a Variant of Uncertain Significance.

Ambry Genetics
Classification: Uncertain significance. Last evaluated: 2023-08-06. Review status: criteria provided, single submitter. Criteria: Ambry Variant Classification Scheme 2023. Collection method: clinical testing. Allele origin: germline.
Comment: The p.K228N variant (also known as c.684A>C), located in coding exon 8 of the BUB1 gene, results from an A to C substitution at nucleotide position 684. The lysine at codon 228 is replaced by asparagine, an amino acid with similar properties. This amino acid position is conserved. In addition, this alteration is predicted to be tolerated by in silico analysis. Since supporting evidence is limited at this time, the clinical significance of this alteration remains unclear.